The following is an entry in ClinVar:

NM_000264.5(PTCH1):c.3989A>C (p.His1330Pro)

Gene: PTCH1 (patched 1; minus strand). Cytogenetic location: 9q22.32.
Variant type: single nucleotide variant.
Coding change: c.3989A>C on transcript NM_000264.5 (MANE Select); coding-DNA position 3989, A replaced by C.
Protein change: p.His1330Pro; replaces histidine 1330 with proline.
Molecular consequence: missense variant. On other transcripts: non-coding transcript variant (1).
Genome position (GRCh38, 1-based): chr9:95,447,267, T>G on the plus strand (A>C on the coding strand, the complement: PTCH1 is on the minus strand). VCF-style: chr9-95447267-T-G. GRCh37 (hg19) VCF-style: chr9-98209549-T-G.
Other names: c.3791A>C, p.His1264Pro (NM_001083602.3); c.3986A>C, p.His1329Pro (NM_001083603.3); c.3536A>C, p.His1179Pro (NM_001083604.3, NM_001083605.3, NM_001083606.3 and 1 more transcripts); c.3833A>C, p.His1278Pro (NM_001354918.2); short protein forms H1278P, H1329P, H1179P, H1264P, H1330P.
Identifiers: ClinVar variation 4845073 (VCV004845073.1).

ClinVar aggregate classification (germline): Uncertain significance (1 of 4 stars; one submission).

Conditions:
Hereditary cancer-predisposing syndrome. Also called: Neoplastic Syndromes, Hereditary; Tumor predisposition; Hereditary Cancer Syndrome; Hereditary neoplastic syndrome. Identifiers: Orphanet 140162, MedGen C0027672, MeSH D009386, MONDO:0015356.

Submission:

Ambry Genetics
Classification: Uncertain significance for Hereditary cancer-predisposing syndrome. Last evaluated: 2026-02-05. Review status: criteria provided, single submitter. Criteria: Ambry Variant Classification Scheme 2023. Collection method: clinical testing. Allele origin: germline.
Comment: The p.H1330P variant (also known as c.3989A>C), located in coding exon 23 of the PTCH1 gene, results from an A to C substitution at nucleotide position 3989. The histidine at codon 1330 is replaced by proline, an amino acid with similar properties. This amino acid position is well conserved in available vertebrate species. In addition, the in silico prediction for this alteration is inconclusive. Based on the available evidence, the clinical significance of this variant remains unclear.